The following is an entry in ClinVar:

NM_006329.4(FBLN5):c.254C>G (p.Ser85Trp)

Gene: FBLN5 (fibulin 5; minus strand). Cytogenetic location: 14q32.12.
Variant type: single nucleotide variant.
Coding change: c.254C>G on transcript NM_006329.4 (MANE Select); coding-DNA position 254, C replaced by G.
Protein change: p.Ser85Trp; replaces serine 85 with tryptophan.
Molecular consequence: missense variant.
Genome position (GRCh38, 1-based): chr14:91,937,072, G>C on the plus strand (C>G on the coding strand, the complement: FBLN5 is on the minus strand). VCF-style: chr14-91937072-G-C. GRCh37 (hg19) VCF-style: chr14-92403416-G-C.
Other names: c.305C>G, p.Ser102Trp (NM_001384159.1); c.254C>G, p.Ser85Trp (NM_001384160.1); c.86C>G, p.Ser29Trp (NM_001384161.1, NM_001384162.1); c.377C>G, p.Ser126Trp (NM_001384158.1); short protein forms S102W, S85W, S29W, S126W.
Identifiers: ClinVar variation 2776368 (VCV002776368.3), dbSNP rs766095546, ClinGen allele CA390639855.
Genomic context (GRCh38, chr14:91,937,072, plus strand): 5'-GGATAGTTTGGAGCTGAGAGTGGTGGGGCAGCTGCTGGGTACGGACCTGAGTAGGGGGTC[G>C]AGTAGGGGTTCGAGTAGGGCCCTCGATACACAGGGTTTGTCCGGGGAATGCATAAATACC-3'
Protein context (NP_006320.2, residues 75-95): VYRGPYSNPY[Ser85Trp]TPYSGPYPAA

ClinVar aggregate classification (germline): Uncertain significance (1 of 4 stars; one submission).

Submission:

Labcorp Genetics (formerly Invitae), Labcorp
Classification: Uncertain significance. Last evaluated: 2023-01-26. Review status: criteria provided, single submitter. Criteria: Invitae Variant Classification Sherloc (09022015). Collection method: clinical testing. Allele origin: germline.
Comment: Algorithms developed to predict the effect of missense changes on protein structure and function are either unavailable or do not agree on the potential impact of this missense change (SIFT: "Deleterious"; PolyPhen-2: "Benign"; Align-GVGD: "Class C15"). In summary, the available evidence is currently insufficient to determine the role of this variant in disease. Therefore, it has been classified as a Variant of Uncertain Significance. This variant has not been reported in the literature in individuals affected with FBLN5-related conditions. This sequence change replaces serine, which is neutral and polar, with tryptophan, which is neutral and slightly polar, at codon 85 of the FBLN5 protein (p.Ser85Trp). This variant is not present in population databases (gnomAD no frequency).